The following is an entry in ClinVar:

ClinVar aggregate classification (germline): Uncertain significance (1 of 4 stars; one submission).

Conditions:
Cardiovascular phenotype. Identifiers: MedGen CN230736.

Submission:

Ambry Genetics
Classification: Uncertain significance for Cardiovascular phenotype. Last evaluated: 2026-02-22. Review status: criteria provided, single submitter. Criteria: Ambry Variant Classification Scheme 2023. Collection method: clinical testing. Allele origin: germline.
Comment: The p.A3054G variant (also known as c.9161C>G), located in coding exon 2 of the ZNF469 gene, results from a C to G substitution at nucleotide position 9161. The alanine at codon 3054 is replaced by glycine, an amino acid with similar properties. This amino acid position is conserved. In addition, this alteration is predicted to be tolerated by in silico analysis. Based on the available evidence, the clinical significance of this variant remains unclear.

NM_001127464.1:c.9161C>G

Gene: ZNF469 (zinc finger protein 469; plus strand).
Variant type: single nucleotide variant.
Identifiers: ClinVar variation 4824437 (VCV004824437.1).